The following is an entry in ClinVar:

NM_001042450.4(SLC5A10):c.1412G>A (p.Gly471Glu)

Gene: SLC5A10 (solute carrier family 5 member 10; plus strand). Cytogenetic location: 17p11.2.
Variant type: single nucleotide variant.
Coding change: c.1412G>A on transcript NM_001042450.4 (MANE Select); coding-DNA position 1412, G replaced by A.
Protein change: p.Gly471Glu; replaces glycine 471 with glutamic acid.
Molecular consequence: missense variant.
Genome position (GRCh38, 1-based): chr17:19,019,714, G>A. VCF-style: chr17-19019714-G-A. GRCh37 (hg19) VCF-style: chr17-18923027-G-A.
Other names: c.1331G>A, p.Gly444Glu (NM_001270648.3); c.1304G>A, p.Gly435Glu (NM_001270649.2); c.1322G>A, p.Gly441Glu (NM_001282417.1); c.1460G>A, p.Gly487Glu (NM_152351.6); short protein forms G435E, G441E, G444E, G471E, G487E.
Identifiers: ClinVar variation 4880106 (VCV004880106.1).

ClinVar aggregate classification (germline): Uncertain significance (1 of 4 stars; one submission).

Conditions:
Primary ciliary dyskinesia. Also called: Ciliary dyskinesia. Identifiers: Orphanet 244, MedGen C0008780, MONDO:0016575, HP:0012265.

gnomAD v4.1: 11,439 of 1,609,242 alleles (0.71%); highest among the groups gnomAD compares: Non-Finnish European, 0.84%; 62 homozygotes.

Submission:

Department of Human Genetics, Hannover Medical School
Classification: Uncertain significance for Primary Ciliary Dyskinesia. Last evaluated: 2026-04-01. Review status: criteria provided, single submitter. Criteria: ACMG Guidelines, 2015. Collection method: research. Allele origin: germline. Affected: no.
Comment: Classification performed by HerediClassify using the following criteria:['PP3_protein_strong: Variant is predicted to be pathogenic by REVEL with evidence strength strong.']